The following is an entry in ClinVar:

NM_000419.5(ITGA2B):c.917dup (p.Arg307fs)

Gene: ITGA2B (integrin subunit alpha 2b; minus strand). Cytogenetic location: 17q21.31.
Variant type: Duplication.
Coding change: c.917dup on transcript NM_000419.5 (MANE Select); coding-DNA position 917, one base duplicated (A; older notation c.917dupA).
Protein change: p.Arg307fs; shifts the reading frame from arginine 307.
Molecular consequence: frameshift variant.
Genome position (GRCh38, 1-based): chr17:44,384,113, T duplicated on the plus strand (A on the coding strand, the reverse complement: ITGA2B is on the minus strand). VCF-style (leftmost placement, unchanged base first): chr17-44384112-C-CT. GRCh37 (hg19) VCF-style: chr17-42461480-C-CT.
Other names: short protein forms R307fs.
Identifiers: ClinVar variation 996157 (VCV000996157.2), dbSNP rs78321762, ClinGen allele CA290954352.
Genomic context (GRCh38, chr17:44,384,112, plus strand): 5'-ACCCAGCCACGCCCACTGGGACCTGGCCCCCACCTGCTCTCCGCGCAGCCGATGCAGCCT[C>CT]TGGTAGTAGGAATCCAAAATTTCCACCTGCACGGACAGCGCAGGCGAGAGCATCATTCTT-3'

ClinVar aggregate classification (germline): Pathogenic (3 of 4 stars; one submission).

Conditions:
Glanzmann thrombasthenia. Also called: Glanzmann's thrombasthenia; PLATELET GLYCOPROTEIN IIb-IIIa DEFICIENCY; BLEEDING DISORDER, PLATELET-TYPE, 2; THROMBASTHENIA OF GLANZMANN AND NAEGELI; Thrombasthenia. Identifiers: Orphanet 849, MedGen C0040015, MONDO:0100326.

Allele frequency attached by ClinVar (database versions not stated): TOPMed below 0.00001; gnomAD 0.00001.

Submission:

ClinGen Platelet Disorders Variant Curation Expert Panel, ClinGen
Classification: Pathogenic for Glanzmann thrombasthenia. Last evaluated: 2020-10-14. Review status: reviewed by expert panel. Criteria: ClinGen Platelet ACMG Specifications v2. Collection method: curation. Allele origin: germline. Inheritance: Autosomal recessive inheritance.
Comment: The ITGA2B frameshift variant NM_000419.4:c.917dup (p.Arg307GlufsTer22) introduces a premature termination codon and the resulting mRNA product is predicted to undergo nonsense mediated decay, leading to loss of normal protein function. This variant has been observed in heterozygosity in an individual with a laboratory phenotype (platelet aggregation and surface expression) consistent with Glanzmann's thrombasthenia (GT) (CabGT-2, PMID: 20020534), however sufficient bleeding phenotype information to confirm if the individual's phenotype is specific for GT was not provided. This variant is extremely rare in population databases. In summary, this variant meets criteria to be classified as pathogenic for GT. GT-specific criteria applied: PVS1, PM2_Supporting, PM3_Supporting.